The following is an entry in ClinVar:

ClinVar aggregate classification (germline): Uncertain significance (1 of 4 stars; one submission).

gnomAD v4.1: 70 of 1,613,316 alleles (0.0043%); highest among the groups gnomAD compares: Middle Eastern, 0.016%; no homozygotes.

Submission:

Labcorp Genetics (formerly Invitae), Labcorp
Classification: Uncertain significance. Last evaluated: 2025-05-24. Review status: criteria provided, single submitter. Criteria: Invitae Variant Classification Sherloc (09022015). Collection method: clinical testing. Allele origin: germline.
Comment: This sequence change replaces glycine, which is neutral and non-polar, with arginine, which is basic and polar, at codon 386 of the NFKB1 protein (p.Gly386Arg). This variant is present in population databases (rs756958327, gnomAD 0.006%). This variant has not been reported in the literature in individuals affected with NFKB1-related conditions. Invitae Evidence Modeling of protein sequence and biophysical properties (such as structural, functional, and spatial information, amino acid conservation, physicochemical variation, residue mobility, and thermodynamic stability) indicates that this missense variant is not expected to disrupt NFKB1 protein function with a negative predictive value of 80%. Experimental studies have shown that this missense change does not substantially affect NFKB1 function (PMID: 36105815). In summary, the available evidence is currently insufficient to determine the role of this variant in disease. Therefore, it has been classified as a Variant of Uncertain Significance.

Literature cited by the submitters: PubMed 36105815.

NM_003998.4(NFKB1):c.1156G>A (p.Gly386Arg)

Gene: NFKB1 (nuclear factor kappa B subunit 1; plus strand). Cytogenetic location: 4q24.
Variant type: single nucleotide variant.
Coding change: c.1156G>A on transcript NM_003998.4 (MANE Select); coding-DNA position 1156, G replaced by A.
Protein change: p.Gly386Arg; replaces glycine 386 with arginine.
Molecular consequence: missense variant.
Genome position (GRCh38, 1-based): chr4:102,593,514, G>A. VCF-style: chr4-102593514-G-A. GRCh37 (hg19) VCF-style: chr4-103514671-G-A.
Other names: c.1153G>A, p.Gly385Arg (NM_001165412.2, NM_001319226.2, NM_001382627.1); c.1156G>A, p.Gly386Arg (NM_001382625.1, NM_001382626.1); c.1114G>A, p.Gly372Arg (NM_001382628.1); short protein forms G372R, G386R, G385R.
Identifiers: ClinVar variation 4699144 (VCV004699144.1).